The following is an entry in ClinVar:

NM_006262.4(PRPH):c.871-1G>A

Genes: TROAP-AS1 (TROAP and PRPH antisense RNA 1; minus strand), PRPH (peripherin; plus strand), LOC124629354 (Sharpr-MPRA regulatory region 11953; plus strand). Cytogenetic location: 12q13.12.
Variant type: single nucleotide variant.
Coding change: c.871-1G>A on transcript NM_006262.4 (MANE Select); the canonical splice acceptor site of the intron before coding-DNA position 871, G replaced by A.
Molecular consequence: splice acceptor variant. On other transcripts: non-coding transcript variant (1).
Genome position (GRCh38, 1-based): chr12:49,297,147, G>A. VCF-style: chr12-49297147-G-A. GRCh37 (hg19) VCF-style: chr12-49690930-G-A.
Identifiers: ClinVar variation 4293520 (VCV004293520.1).

ClinVar aggregate classification (germline): Likely pathogenic (1 of 4 stars; one submission).

Conditions:
Amyotrophic lateral sclerosis type 1 (ALS1). Also called: AMYOTROPHIC LATERAL SCLEROSIS 1, FAMILIAL. Identifiers: Orphanet 803, MedGen C1862939, MONDO:0007103, OMIM 105400.

gnomAD v4.1: 18 of 1,614,036 alleles (0.0011%); highest among the groups gnomAD compares: East Asian, 0.038%; no homozygotes.

Submission:

3billion
Classification: Likely pathogenic for Amyotrophic lateral sclerosis type 1. Last evaluated: 2024-10-08. Review status: criteria provided, single submitter. Criteria: ACMG Guidelines, 2015. Collection method: clinical testing. Allele origin: germline. Affected: yes.
Comment: The variant is observed at an extremely low frequency in the gnomAD v4.1.0 dataset (total allele frequency: 0.001%). Predicted Consequence/Location: Canonical splice site: predicted to alter splicing and result in a loss or disruption of normal protein function. Multiple pathogenic loss-of-function variants are reported downstream of the variant. In silico tools predict the variant to alter splicing and produce an abnormal transcript [SpliceAI: 0.99 (spliceogenicity >=0.2, non-spliceogenicity <0.1)]. Therefore, this variant is classified as Likely pathogenic according to the recommendation of ACMG/AMP guideline.